The following is an entry in ClinVar:

ClinVar aggregate classification (germline): Pathogenic (1 of 4 stars; one submission).

Conditions:
Charcot-Marie-Tooth disease type 2. Also called: Charcot-Marie-Tooth type 2. Identifiers: Orphanet 64746, MedGen C0270914, MONDO:0018993.

Submission:

Labcorp Genetics (formerly Invitae), Labcorp
Classification: Pathogenic for Charcot-Marie-Tooth disease type 2. Last evaluated: 2020-01-23. Review status: criteria provided, single submitter. Criteria: Invitae Variant Classification Sherloc (09022015). Collection method: clinical testing. Allele origin: germline.
Comment: For these reasons, this variant has been classified as Pathogenic. Loss-of-function variants in LMNA are known to be pathogenic (PMID: 18585512, 18926329). This variant has not been reported in the literature in individuals with LMNA-related disease. This variant is not present in population databases (ExAC no frequency). This sequence change creates a premature translational stop signal (p.Arg25Alafs*71) in the LMNA gene. It is expected to result in an absent or disrupted protein product.

Literature cited by the submitters: PubMed 18585512; PubMed 18926329.

NM_170707.4(LMNA):c.73del (p.Arg25fs)

Genes: LMNA (lamin A/C; plus strand), LOC129931597 (ATAC-STARR-seq lymphoblastoid silent region 1421; plus strand). Cytogenetic location: 1q22.
Variant type: Deletion.
Coding change: c.73del on transcript NM_170707.4 (MANE Select); coding-DNA position 73, one base deleted (C; older notation c.73delC).
Protein change: p.Arg25fs; shifts the reading frame from arginine 25.
Molecular consequence: frameshift variant.
Genome position (GRCh38, 1-based): chr1:156,114,991, C deleted; the last of 3 consecutive C bases (chr1:156,114,989-156,114,991); deleting any one gives the same sequence. VCF-style (leftmost placement, unchanged base first): chr1-156114988-AC-A. GRCh37 (hg19) VCF-style: chr1-156084779-AC-A.
Other names: c.73del (NM_170707.3); c.73del, p.Arg25fs (NM_001282625.2, NM_001282626.2, NM_005572.4 and 1 more transcripts); short protein forms R25fs.
Identifiers: ClinVar variation 573981 (VCV000573981.9), dbSNP rs1558115970, ClinGen allele CA891843165.